The following is an entry in ClinVar:

ClinVar aggregate classification (germline): Likely benign. Review status: criteria provided, multiple submitters, no conflicts (2 of 4 stars). 3 submissions from 3 submitters: Likely benign (2). 1 of the submissions does not count toward it. Last evaluated 2025-08-23.

Conditions:
KCNV2-related disorder. Also called: KCNV2-related condition.

Allele frequency attached by ClinVar (database versions not stated): gnomAD exomes 0.00002; ExAC 0.00004; ESP Exome Variant Server 0.00008; gnomAD 0.00009; TOPMed 0.00009; 1000 Genomes Project 0.00060; 1000 Genomes Project 30x 0.00062.

Submissions (3):

Labcorp Genetics (formerly Invitae), Labcorp
Classification: Likely benign. Last evaluated: 2025-08-23. Review status: criteria provided, single submitter. Criteria: Invitae Variant Classification Sherloc (09022015). Collection method: clinical testing. Allele origin: germline.

Blueprint Genetics
Classification: Likely benign. Last evaluated: 2021-09-15. Review status: criteria provided, single submitter. Criteria: ACMG Guidelines, 2015. Collection method: clinical testing. Allele origin: germline.

PreventionGenetics, part of Exact Sciences
Classification: Likely benign for KCNV2-related condition. Last evaluated: 2019-09-04. Review status: no assertion criteria provided. Collection method: clinical testing. Allele origin: germline. Not counted in ClinVar's aggregate classification.
Comment: This variant is classified as likely benign based on ACMG/AMP sequence variant interpretation guidelines (Richards et al. 2015 PMID: 25741868, with internal and published modifications).

NM_133497.4(KCNV2):c.270C>T (p.Ser90=)

Gene: KCNV2 (potassium voltage-gated channel modifier subfamily V member 2; plus strand). Cytogenetic location: 9p24.2.
Variant type: single nucleotide variant.
Coding change: c.270C>T on transcript NM_133497.4 (MANE Select); coding-DNA position 270, C replaced by T.
Protein change: p.Ser90=; no amino-acid change (serine 90 retained).
Molecular consequence: synonymous variant.
Genome position (GRCh38, 1-based): chr9:2,718,009, C>T. VCF-style: chr9-2718009-C-T. GRCh37 (hg19) VCF-style: chr9-2718009-C-T.
Other names: c.270C>T (NM_133497.3).
Identifiers: ClinVar variation 1153340 (VCV001153340.12), dbSNP rs144755683, ClinGen allele CA4965390.